The following is an entry in ClinVar:

NM_004370.6(COL12A1):c.6080G>A (p.Gly2027Glu)

Gene: COL12A1 (collagen type XII alpha 1 chain; minus strand). Cytogenetic location: 6q13.
Variant type: single nucleotide variant.
Coding change: c.6080G>A on transcript NM_004370.6 (MANE Select); coding-DNA position 6080, G replaced by A.
Protein change: p.Gly2027Glu; replaces glycine 2027 with glutamic acid.
Molecular consequence: missense variant.
Genome position (GRCh38, 1-based): chr6:75,130,221, C>T on the plus strand (G>A on the coding strand, the complement: COL12A1 is on the minus strand). VCF-style: chr6-75130221-C-T. GRCh37 (hg19) VCF-style: chr6-75839937-C-T.
Other names: c.2588G>A, p.Gly863Glu (NM_080645.3); short protein forms G2027E, G863E.
Identifiers: ClinVar variation 1467945 (VCV001467945.12), dbSNP rs780058273, ClinGen allele CA3892898.

ClinVar aggregate classification (germline): Uncertain significance. Review status: criteria provided, multiple submitters, no conflicts (2 of 4 stars). 4 submissions from 4 submitters: Uncertain significance (4). Last evaluated 2026-01-12.

Conditions:
Bethlem myopathy. Identifiers: Orphanet 610, MedGen C1834674, MONDO:0008029.
Ullrich congenital muscular dystrophy 2 (UCMD2). Identifiers: Orphanet 75840, MedGen C4225314, MONDO:0014654, OMIM 616470.
Bethlem myopathy 2 (BTHLM2). Identifiers: Orphanet 536516, Orphanet 610, MedGen C4225313, MONDO:0034022, OMIM 616471.

Allele frequency attached by ClinVar (database versions not stated): TOPMed below 0.00001; ExAC 0.00001; gnomAD 0.00001.
gnomAD v4.1: 15 of 1,613,660 alleles (0.00093%); highest among the groups gnomAD compares: East Asian, 0.0022%; no homozygotes.

Submissions (4):

Labcorp Genetics (formerly Invitae), Labcorp
Classification: Uncertain significance for Bethlem myopathy 2; Ullrich congenital muscular dystrophy 2. Last evaluated: 2026-01-12. Review status: criteria provided, single submitter. Criteria: Invitae Variant Classification Sherloc (09022015). Collection method: clinical testing. Allele origin: germline.
Comment: This sequence change replaces glycine, which is neutral and non-polar, with glutamic acid, which is acidic and polar, at codon 2027 of the COL12A1 protein (p.Gly2027Glu). This variant is present in population databases (rs780058273, gnomAD 0.005%). This variant has not been reported in the literature in individuals affected with COL12A1-related conditions. ClinVar contains an entry for this variant (Variation ID: 1467945). Invitae Evidence Modeling of protein sequence and biophysical properties (such as structural, functional, and spatial information, amino acid conservation, physicochemical variation, residue mobility, and thermodynamic stability) has been performed for this missense variant. However, the output from this modeling did not meet the statistical confidence thresholds required to predict the impact of this variant on COL12A1 protein function. In summary, the available evidence is currently insufficient to determine the role of this variant in disease. Therefore, it has been classified as a Variant of Uncertain Significance.

Revvity Omics, Revvity
Classification: Uncertain significance. Last evaluated: 2024-10-25. Review status: criteria provided, single submitter. Criteria: ACMG Guidelines, 2015. Collection method: clinical testing. Allele origin: germline.

GeneDx
Classification: Uncertain significance. Last evaluated: 2024-03-19. Review status: criteria provided, single submitter. Criteria: GeneDx Variant Classification Process June 2021. Collection method: clinical testing. Allele origin: germline. Affected: yes.
Comment: In silico analysis supports that this missense variant has a deleterious effect on protein structure/function; Has not been previously published as pathogenic or benign to our knowledge

Genetics and Molecular Pathology, SA Pathology
Classification: Uncertain significance for Bethlem myopathy. Last evaluated: 2021-05-27. Review status: criteria provided, single submitter. Criteria: ACMG Guidelines, 2015. Collection method: clinical testing. Allele origin: germline. Affected: yes.